The following is an entry in ClinVar:

ClinVar aggregate classification (germline): Uncertain significance (1 of 4 stars; one submission).

Submission:

Labcorp Genetics (formerly Invitae), Labcorp
Classification: Uncertain significance. Last evaluated: 2023-05-17. Review status: criteria provided, single submitter. Criteria: Invitae Variant Classification Sherloc (09022015). Collection method: clinical testing. Allele origin: germline.
Comment: This variant has not been reported in the literature in individuals affected with TRIO-related conditions. This sequence change replaces leucine, which is neutral and non-polar, with phenylalanine, which is neutral and non-polar, at codon 2270 of the TRIO protein (p.Leu2270Phe). This variant is not present in population databases (gnomAD no frequency). An algorithm developed to predict the effect of missense changes on protein structure and function (PolyPhen-2) suggests that this variant is likely to be tolerated. In summary, the available evidence is currently insufficient to determine the role of this variant in disease. Therefore, it has been classified as a Variant of Uncertain Significance.

NM_007118.4(TRIO):c.6810A>T (p.Leu2270Phe)

Gene: TRIO (trio Rho guanine nucleotide exchange factor; plus strand). Cytogenetic location: 5p15.2.
Variant type: single nucleotide variant.
Coding change: c.6810A>T on transcript NM_007118.4 (MANE Select); coding-DNA position 6810, A replaced by T.
Protein change: p.Leu2270Phe; replaces leucine 2270 with phenylalanine.
Molecular consequence: missense variant. On other transcripts: non-coding transcript variant (1).
Genome position (GRCh38, 1-based): chr5:14,485,221, A>T. VCF-style: chr5-14485221-A-T. GRCh37 (hg19) VCF-style: chr5-14485330-A-T.
Other names: short protein forms L2270F.
Identifiers: ClinVar variation 2874904 (VCV002874904.3), dbSNP rs2477434089, ClinGen allele CA359236189.
Genomic context (GRCh38, chr5:14,485,221, plus strand): 5'-TTTGCATTCATCTAGTCCAAGTGTCCGGCAAACTTGGATCCATGAAATCAACCAAATTTT[A>T]GAAAACCAGCGCAATTTTTTAAATGGTAATGTGTGTTCTGTTACTAGATGTGTGCTTTCT-3'
Protein context (NP_009049.2, residues 2260-2280): QTWIHEINQI[Leu2270Phe]ENQRNFLNAL